The following is an entry in ClinVar:

ClinVar aggregate classification (germline): Uncertain significance. Review status: criteria provided, multiple submitters, no conflicts (2 of 4 stars). 3 submissions from 3 submitters: Uncertain significance (3). Last evaluated 2026-01-26.

Conditions:
Myofibrillar myopathy 5. Also called: Filaminopathy (type); FILAMINOPATHY, AUTOSOMAL DOMINANT. Identifiers: Orphanet 171445, MedGen C1836050, MONDO:0012289, OMIM 609524.
Distal myopathy with posterior leg and anterior hand involvement. Also called: WILLIAMS DISTAL MYOPATHY. Identifiers: Orphanet 63273, MedGen C3279722, MONDO:0013550, OMIM 614065.
Hypertrophic cardiomyopathy 26. Also called: Cardiomyopathy, familial hypertrophic, 26. Identifiers: Orphanet 75249, MedGen C4310749, MONDO:0014883, OMIM 617047.

Allele frequency attached by ClinVar (database versions not stated): gnomAD 0.00001; TOPMed 0.00001.
gnomAD v4.1: 2 of 1,613,738 alleles (0.00012%); highest among the groups gnomAD compares: Admixed American, 0.0017%; no homozygotes.

Submissions (3):

Labcorp Genetics (formerly Invitae), Labcorp
Classification: Uncertain significance for Distal myopathy with posterior leg and anterior hand involvement; Myofibrillar myopathy 5; Hypertrophic cardiomyopathy 26. Last evaluated: 2026-01-26. Review status: criteria provided, single submitter. Criteria: Invitae Variant Classification Sherloc (09022015). Collection method: clinical testing. Allele origin: germline.
Comment: This sequence change replaces alanine, which is neutral and non-polar, with threonine, which is neutral and polar, at codon 806 of the FLNC protein (p.Ala806Thr). This variant is not present in population databases (gnomAD no frequency). This variant has not been reported in the literature in individuals affected with FLNC-related conditions. ClinVar contains an entry for this variant (Variation ID: 1042841). Invitae Evidence Modeling of protein sequence and biophysical properties (such as structural, functional, and spatial information, amino acid conservation, physicochemical variation, residue mobility, and thermodynamic stability) has been performed for this missense variant. However, the output from this modeling did not meet the statistical confidence thresholds required to predict the impact of this variant on FLNC protein function. In summary, the available evidence is currently insufficient to determine the role of this variant in disease. Therefore, it has been classified as a Variant of Uncertain Significance.

Blueprint Genetics
Classification: Uncertain significance. Last evaluated: 2023-04-28. Review status: criteria provided, single submitter. Criteria: ACMG Guidelines, 2015. Collection method: clinical testing. Allele origin: germline.

Revvity Omics, Revvity
Classification: Uncertain significance. Last evaluated: 2019-07-29. Review status: criteria provided, single submitter. Criteria: ACMG Guidelines, 2015. Collection method: clinical testing. Allele origin: germline.

NM_001458.5(FLNC):c.2416G>A (p.Ala806Thr)

Gene: FLNC (filamin C; plus strand). Cytogenetic location: 7q32.1.
Variant type: single nucleotide variant.
Coding change: c.2416G>A on transcript NM_001458.5 (MANE Select); coding-DNA position 2416, G replaced by A.
Protein change: p.Ala806Thr; replaces alanine 806 with threonine.
Molecular consequence: missense variant.
Genome position (GRCh38, 1-based): chr7:128,842,820, G>A. VCF-style: chr7-128842820-G-A. GRCh37 (hg19) VCF-style: chr7-128482874-G-A.
Other names: c.2416G>A, p.Ala806Thr (NM_001127487.2); c.2416G>A (NM_001458.4); short protein forms A806T.
Identifiers: ClinVar variation 1042841 (VCV001042841.10), dbSNP rs1386986739, ClinGen allele CA369191579.